The following is an entry in ClinVar:

ClinVar aggregate classification (germline): Pathogenic (1 of 4 stars; one submission).

Conditions:
Isovaleryl-CoA dehydrogenase deficiency (IVA). Also called: ISOVALERIC ACID CoA DEHYDROGENASE DEFICIENCY; Isovaleric acidemia; IVD DEFICIENCY; Classic Isovaleric Acidemia. Identifiers: Orphanet 33, MedGen C0268575, MONDO:0009475, OMIM 243500.

Submission:

Labcorp Genetics (formerly Invitae), Labcorp
Classification: Pathogenic for Isovaleryl-CoA dehydrogenase deficiency. Last evaluated: 2023-10-16. Review status: criteria provided, single submitter. Criteria: Invitae Variant Classification Sherloc (09022015). Collection method: clinical testing. Allele origin: germline.
Comment: This sequence change affects an acceptor splice site in intron 2 of the IVD gene. It is expected to disrupt RNA splicing. Variants that disrupt the donor or acceptor splice site typically lead to a loss of protein function (PMID: 16199547), and loss-of-function variants in IVD are known to be pathogenic (PMID: 16602101). This variant is not present in population databases (gnomAD no frequency). Disruption of this splice site has been observed in individual(s) with isovaleric acidemia (PMID: 15486829). Algorithms developed to predict the effect of sequence changes on RNA splicing suggest that this variant may disrupt the consensus splice site. For these reasons, this variant has been classified as Pathogenic.

Literature cited by the submitters: PubMed 16199547; PubMed 16602101; PubMed 15486829.

NM_002225.5(IVD):c.235-1G>A

Gene: IVD (isovaleryl-CoA dehydrogenase; plus strand). Cytogenetic location: 15q15.1.
Variant type: single nucleotide variant.
Coding change: c.235-1G>A on transcript NM_002225.5 (MANE Select); the canonical splice acceptor site of the intron before coding-DNA position 235, G replaced by A.
Molecular consequence: splice acceptor variant.
Genome position (GRCh38, 1-based): chr15:40,407,938, G>A. VCF-style: chr15-40407938-G-A. GRCh37 (hg19) VCF-style: chr15-40700137-G-A.
Other names: c.322-1G>A (NM_001354600.3, NM_001354599.3); c.235-1G>A (NM_001354598.3, NM_001354601.3); c.187-1G>A (NM_001354597.3); c.145-1G>A (NM_001159508.3).
Identifiers: ClinVar variation 2769189 (VCV002769189.3), dbSNP rs2542648975, ClinGen allele CA391745635.